The following is an entry in ClinVar:

ClinVar aggregate classification (germline): Uncertain significance (1 of 4 stars; one submission).

gnomAD v4.1: 13 of 1,612,766 alleles (0.00081%); highest among the groups gnomAD compares: South Asian, 0.0033%; no homozygotes.

Submission:

Labcorp Genetics (formerly Invitae), Labcorp
Classification: Uncertain significance. Last evaluated: 2025-06-19. Review status: criteria provided, single submitter. Criteria: Invitae Variant Classification Sherloc (09022015). Collection method: clinical testing. Allele origin: germline.
Comment: This sequence change replaces isoleucine, which is neutral and non-polar, with valine, which is neutral and non-polar, at codon 891 of the ERCC6 protein (p.Ile891Val). The frequency data for this variant in the population databases is considered unreliable, as metrics indicate poor data quality at this position in the gnomAD database. This variant has not been reported in the literature in individuals affected with ERCC6-related conditions. Invitae Evidence Modeling of protein sequence and biophysical properties (such as structural, functional, and spatial information, amino acid conservation, physicochemical variation, residue mobility, and thermodynamic stability) indicates that this missense variant is not expected to disrupt ERCC6 protein function with a negative predictive value of 80%. In summary, the available evidence is currently insufficient to determine the role of this variant in disease. Therefore, it has been classified as a Variant of Uncertain Significance.

NM_000124.4(ERCC6):c.2671A>G (p.Ile891Val)

Gene: ERCC6 (ERCC excision repair 6, chromatin remodeling factor; minus strand). Cytogenetic location: 10q11.23.
Variant type: single nucleotide variant.
Coding change: c.2671A>G on transcript NM_000124.4 (MANE Select); coding-DNA position 2671, A replaced by G.
Protein change: p.Ile891Val; replaces isoleucine 891 with valine.
Molecular consequence: missense variant.
Genome position (GRCh38, 1-based): chr10:49,473,515, T>C on the plus strand (A>G on the coding strand, the complement: ERCC6 is on the minus strand). VCF-style: chr10-49473515-T-C. GRCh37 (hg19) VCF-style: chr10-50681561-T-C.
Other names: c.2671A>G, p.Ile891Val (NM_001346440.2); short protein forms I891V.
Identifiers: ClinVar variation 4706516 (VCV004706516.1).